The following is an entry in ClinVar:

NM_002474.3(MYH11):c.503-115T>C

Gene: MYH11 (myosin heavy chain 11; minus strand). Cytogenetic location: 16p13.11.
Variant type: single nucleotide variant.
Coding change: c.503-115T>C on transcript NM_002474.3 (MANE Select); 115 bases into the intron before coding-DNA position 503, T replaced by C.
Molecular consequence: intron variant.
Genome position (GRCh38, 1-based): chr16:15,798,802, A>G on the plus strand (T>C on the coding strand, the complement: MYH11 is on the minus strand). VCF-style: chr16-15798802-A-G. GRCh37 (hg19) VCF-style: chr16-15892659-A-G.
Other names: c.503-115T>C (NM_022844.3, NM_001040114.2, NM_001040113.2).
Identifiers: ClinVar variation 675993 (VCV000675993.2), dbSNP rs60015990, ClinGen allele CA278608370.

ClinVar aggregate classification (germline): Likely benign. Review status: criteria provided, multiple submitters, no conflicts (2 of 4 stars). 2 submissions from 2 submitters: Likely benign (2). Last evaluated 2018-06-14.

Allele frequency attached by ClinVar (database versions not stated): gnomAD exomes 0.00101; gnomAD 0.00972 and 0.01056; 1000 Genomes Project 0.01118; TOPMed 0.01120; 1000 Genomes Project 30x 0.01171.
gnomAD v4.1: 2,582 of 1,137,548 alleles (0.23%); highest among the groups gnomAD compares: African/African-American, 3.3%; 42 homozygotes.

Submissions (2):

GeneDx
Classification: Likely benign. Last evaluated: 2018-06-14. Review status: criteria provided, single submitter. Criteria: GeneDx Variant Classification (06012015). Collection method: clinical testing. Allele origin: germline. Affected: yes.
Comment: This variant is considered likely benign or benign based on one or more of the following criteria: it is a conservative change, it occurs at a poorly conserved position in the protein, it is predicted to be benign by multiple in silico algorithms, and/or has population frequency not consistent with disease.

Breakthrough Genomics
Classification: Likely benign. Review status: criteria provided, single submitter. Criteria: ACMG Guidelines, 2015. Collection method: not provided. Allele origin: germline. Inheritance: Autosomal recessive inheritance. Affected: yes.